The following is an entry in ClinVar:

ClinVar aggregate classification (germline): Conflicting classifications of pathogenicity. Review status: criteria provided, conflicting classifications (1 of 4 stars). 6 submissions from 6 submitters: Uncertain significance (3); Likely benign (1). 2 of the submissions do not count toward it. Last evaluated 2026-08-19.

Conditions:
TTN-related disorder. Also called: TTN-related condition; TTN-related disease; TTN-related disorders.

Allele frequency attached by ClinVar (database versions not stated): ExAC 0.00003; gnomAD 0.00003 and 0.00004; gnomAD exomes 0.00003 and 0.00004; TOPMed 0.00003; ESP Exome Variant Server 0.00025.

Submissions (6):

PreventionGenetics, part of Exact Sciences
Classification: Uncertain significance for TTN-related condition. Last evaluated: 2026-08-19. Review status: criteria provided, single submitter. Criteria: ACMG Guidelines, 2015. Collection method: clinical testing. Allele origin: germline.
Comment: The TTN c.55213C>T variant is predicted to result in the amino acid substitution p.Arg18405Cys. To our knowledge, this variant has not been reported in the literature. This variant is reported in 0.0083% of alleles in individuals of African descent in gnomAD. At this time, the clinical significance of this variant is uncertain due to the absence of conclusive functional and genetic evidence.

ARUP Laboratories, Molecular Genetics and Genomics, ARUP Laboratories
Classification: Uncertain significance. Last evaluated: 2020-03-20. Review status: criteria provided, single submitter. Criteria: ARUP Molecular Germline Variant Investigation Process. Collection method: clinical testing. Allele origin: germline.
Comment: The TTN c.55213C>T; p.Arg18405Cys variant (rs199656264) is rare in the general population (<1% allele frequency in the Genome Aggregation Database) and has not been reported in the medical literature in association with dilated cardiomyopathy (DCM) or other TTN-related disease. The clinical relevance of rare missense variants in this gene, which are identified on average once per individual sequenced in affected populations (Herman 2012), is not well understood. Yet, evidence suggests that the vast majority of such missense variants do not contribute to the clinical outcome of DCM (Begay 2015). Thus, the clinical significance of the p.Arg18405Cys variant cannot be determined with certainty. References: Begay RL et al. Role of Titin Missense Variants in Dilated Cardiomyopathy. J Am Heart Assoc. 2015 Nov 13;4(11). Herman DS et al. Truncations of titin causing dilated cardiomyopathy. N Engl J Med. 2012 Feb 16;366(7):619-28.

GeneDx
Classification: Likely benign. Last evaluated: 2019-11-12. Review status: criteria provided, single submitter. Criteria: GeneDx Variant Classification Process June 2021. Collection method: clinical testing. Allele origin: germline. Affected: yes.

Revvity Omics, Revvity
Classification: Uncertain significance. Last evaluated: 2019-07-11. Review status: criteria provided, single submitter. Criteria: ACMG Guidelines, 2015. Collection method: clinical testing. Allele origin: germline.

Clinical Genetics DNA and cytogenetics Diagnostics Lab, Erasmus MC, Erasmus Medical Center
Classification: Uncertain significance. Review status: no assertion criteria provided. Collection method: clinical testing. Allele origin: germline. Affected: yes. Study: VKGL Data-share Consensus. Not counted in ClinVar's aggregate classification.

Clinical Genetics, Academic Medical Center
Classification: Uncertain significance. Review status: no assertion criteria provided. Collection method: clinical testing. Allele origin: germline. Affected: yes. Study: VKGL Data-share Consensus. Not counted in ClinVar's aggregate classification.

NM_001267550.2(TTN):c.55213C>T (p.Arg18405Cys)

Genes: TTN (titin; minus strand), TTN-AS1 (TTN antisense RNA 1; plus strand). Cytogenetic location: 2q31.2.
Variant type: single nucleotide variant.
Coding change: c.55213C>T on transcript NM_001267550.2 (MANE Select); coding-DNA position 55213, C replaced by T.
Protein change: p.Arg18405Cys; replaces arginine 18405 with cysteine.
Molecular consequence: missense variant.
Genome position (GRCh38, 1-based): chr2:178,602,058, G>A on the plus strand (C>T on the coding strand, the complement: TTN is on the minus strand). VCF-style: chr2-178602058-G-A. GRCh37 (hg19) VCF-style: chr2-179466785-G-A.
Other names: c.50290C>T, p.Arg16764Cys (NM_001256850.1); c.28018C>T, p.Arg9340Cys (NM_003319.4); c.47509C>T, p.Arg15837Cys (NM_133378.4); c.28393C>T, p.Arg9465Cys (NM_133432.3); c.28594C>T, p.Arg9532Cys (NM_133437.4); short protein forms R15837C, R16764C, R18405C, R9340C, R9465C, R9532C.
Identifiers: ClinVar variation 994291 (VCV000994291.16), dbSNP rs199656264, ClinGen allele CA1993518.